The following is an entry in ClinVar:

ClinVar aggregate classification (germline): Uncertain significance (1 of 4 stars; one submission).

Submission:

Labcorp Genetics (formerly Invitae), Labcorp
Classification: Uncertain significance. Last evaluated: 2024-06-24. Review status: criteria provided, single submitter. Criteria: Invitae Variant Classification Sherloc (09022015). Collection method: clinical testing. Allele origin: germline.
Comment: This sequence change replaces leucine, which is neutral and non-polar, with serine, which is neutral and polar, at codon 2010 of the NBAS protein (p.Leu2010Ser). This variant is not present in population databases (gnomAD no frequency). This variant has not been reported in the literature in individuals affected with NBAS-related conditions. ClinVar contains an entry for this variant (Variation ID: 1373910). Advanced modeling of protein sequence and biophysical properties (such as structural, functional, and spatial information, amino acid conservation, physicochemical variation, residue mobility, and thermodynamic stability) performed at Invitae indicates that this missense variant is not expected to disrupt NBAS protein function with a negative predictive value of 80%. In summary, the available evidence is currently insufficient to determine the role of this variant in disease. Therefore, it has been classified as a Variant of Uncertain Significance.

NM_015909.4(NBAS):c.6029T>C (p.Leu2010Ser)

Gene: NBAS (NBAS subunit of NRZ tethering complex; minus strand). Cytogenetic location: 2p24.3.
Variant type: single nucleotide variant.
Coding change: c.6029T>C on transcript NM_015909.4 (MANE Select); coding-DNA position 6029, T replaced by C.
Protein change: p.Leu2010Ser; replaces leucine 2010 with serine.
Molecular consequence: missense variant. On other transcripts: non-coding transcript variant (1).
Genome position (GRCh38, 1-based): chr2:15,234,662, A>G on the plus strand (T>C on the coding strand, the complement: NBAS is on the minus strand). VCF-style: chr2-15234662-A-G. GRCh37 (hg19) VCF-style: chr2-15374786-A-G.
Other names: short protein forms L2010S.
Identifiers: ClinVar variation 1373910 (VCV001373910.6), dbSNP rs2147934086, ClinGen allele CA345888753.